The following is an entry in ClinVar:

ClinVar aggregate classification (germline): Uncertain significance (1 of 4 stars; one submission).

Submission:

GeneDx
Classification: Uncertain significance. Last evaluated: 2024-10-03. Review status: criteria provided, single submitter. Criteria: GeneDx Variant Classification Process June 2021. Collection method: clinical testing. Allele origin: germline. Affected: yes.
Comment: Not observed at significant frequency in large population cohorts (gnomAD); In silico analysis supports that this missense variant has a deleterious effect on protein structure/function; Has not been previously published as pathogenic or benign to our knowledge

NM_003128.3(SPTBN1):c.6989C>T (p.Pro2330Leu)

Genes: SPTBN1 (spectrin beta, non-erythrocytic 1; plus strand), SPTBN1-AS2 (SPTBN1 antisense RNA 2; minus strand). Cytogenetic location: 2p16.2.
Variant type: single nucleotide variant.
Coding change: c.6989C>T on transcript NM_003128.3 (MANE Select); coding-DNA position 6989, C replaced by T.
Protein change: p.Pro2330Leu; replaces proline 2330 with leucine.
Molecular consequence: missense variant.
Genome position (GRCh38, 1-based): chr2:54,668,463, C>T. VCF-style: chr2-54668463-C-T. GRCh37 (hg19) VCF-style: chr2-54895600-C-T.
Other names: short protein forms P2330L.
Identifiers: ClinVar variation 3776713 (VCV003776713.1).